The following is an entry in ClinVar:

ClinVar aggregate classification (germline): Uncertain significance (1 of 4 stars; one submission).

Conditions:
Peroxisome biogenesis disorder. Identifiers: Orphanet 79189, MedGen C1832200, MONDO:0019234. Disease mechanism: loss of function.

Allele frequency attached by ClinVar (database versions not stated): TOPMed 0.00001; gnomAD 0.00002.

Submission:

Labcorp Genetics (formerly Invitae), Labcorp
Classification: Uncertain significance for Peroxisome biogenesis disorder. Last evaluated: 2022-01-02. Review status: criteria provided, single submitter. Criteria: Invitae Variant Classification Sherloc (09022015). Collection method: clinical testing. Allele origin: germline.
Comment: This sequence change replaces glutamic acid, which is acidic and polar, with lysine, which is basic and polar, at codon 66 of the PEX6 protein (p.Glu66Lys). This variant is present in population databases (no rsID available, gnomAD 0.02%). This variant has not been reported in the literature in individuals affected with PEX6-related conditions. Algorithms developed to predict the effect of missense changes on protein structure and function (SIFT, PolyPhen-2, Align-GVGD) all suggest that this variant is likely to be tolerated. In summary, the available evidence is currently insufficient to determine the role of this variant in disease. Therefore, it has been classified as a Variant of Uncertain Significance.

NM_000287.4(PEX6):c.196G>A (p.Glu66Lys)

Gene: PEX6 (peroxisomal biogenesis factor 6; minus strand). Cytogenetic location: 6p21.1.
Variant type: single nucleotide variant.
Coding change: c.196G>A on transcript NM_000287.4 (MANE Select); coding-DNA position 196, G replaced by A.
Protein change: p.Glu66Lys; replaces glutamic acid 66 with lysine.
Molecular consequence: missense variant. On other transcripts: non-coding transcript variant (1).
Genome position (GRCh38, 1-based): chr6:42,978,955, C>T on the plus strand (G>A on the coding strand, the complement: PEX6 is on the minus strand). VCF-style: chr6-42978955-C-T. GRCh37 (hg19) VCF-style: chr6-42946693-C-T.
Other names: c.196G>A, p.Glu66Lys (NM_001316313.2); short protein forms E66K.
Identifiers: ClinVar variation 1972272 (VCV001972272.2), dbSNP rs1375371745, ClinGen allele CA364168261.